The following is an entry in ClinVar:

NM_172240.3(POC1B):c.487A>G (p.Ser163Gly)

Genes: POC1B (POC1 centriolar protein B; minus strand), POC1B-DUSP6 (POC1B-DUSP6 readthrough; minus strand). Cytogenetic location: 12q21.33.
Variant type: single nucleotide variant.
Coding change: c.487A>G on transcript NM_172240.3 (MANE Select); coding-DNA position 487, A replaced by G.
Protein change: p.Ser163Gly; replaces serine 163 with glycine.
Molecular consequence: missense variant. On other transcripts: non-coding transcript variant (2).
Genome position (GRCh38, 1-based): chr12:89,472,241, T>C on the plus strand (A>G on the coding strand, the complement: POC1B is on the minus strand). VCF-style: chr12-89472241-T-C. GRCh37 (hg19) VCF-style: chr12-89866018-T-C.
Other names: c.487A>G (NM_172240.2); c.361A>G, p.Ser121Gly (NM_001199777.2); short protein forms S121G, S163G.
Identifiers: ClinVar variation 1014789 (VCV001014789.6), dbSNP rs867057656, ClinGen allele CA241202541.
Genomic context (GRCh38, chr12:89,472,241, plus strand): 5'-AGAAGTTATTAACACATTGCTTATTTGTGGTATCCCAAATTTTAATAGTTTTATCCTCAC[T>C]ACATGACACAATTAGTCTTCCATCGGGTGAAAATCTAGAAAGAAGAAGAAAGAAGATGTT-3'
Protein context (NP_758440.1, residues 153-173): SPDGRLIVSC[Ser163Gly]EDKTIKIWDT

ClinVar aggregate classification (germline): Uncertain significance. Review status: criteria provided, multiple submitters, no conflicts (2 of 4 stars). 3 submissions from 3 submitters: Uncertain significance (3). Last evaluated 2026-03-26.

Conditions:
POC1B-related disorder. Also called: POC1B-related condition.

Allele frequency attached by ClinVar (database versions not stated): gnomAD exomes below 0.00001; gnomAD 0.00001; TOPMed 0.00001.
gnomAD v4.1: 12 of 1,606,818 alleles (0.00075%); highest among the groups gnomAD compares: Middle Eastern, 0.049%; no homozygotes.

Submissions (3):

PreventionGenetics, part of Exact Sciences
Classification: Uncertain significance for POC1B-related condition. Last evaluated: 2026-03-26. Review status: criteria provided, single submitter. Criteria: ACMG Guidelines, 2015. Collection method: clinical testing. Allele origin: germline.
Comment: The POC1B c.487A>G variant is predicted to result in the amino acid substitution p.Ser163Gly. To our knowledge, this variant has not been reported in the literature. This variant is reported in 0.0063% of alleles in individuals of African descent in gnomAD. At this time, the clinical significance of this variant is uncertain due to the absence of conclusive functional and genetic evidence.

Blueprint Genetics
Classification: Uncertain significance. Last evaluated: 2023-07-13. Review status: criteria provided, single submitter. Criteria: ACMG Guidelines, 2015. Collection method: clinical testing. Allele origin: germline.

Labcorp Genetics (formerly Invitae), Labcorp
Classification: Uncertain significance. Last evaluated: 2022-03-10. Review status: criteria provided, single submitter. Criteria: Invitae Variant Classification Sherloc (09022015). Collection method: clinical testing. Allele origin: germline.
Comment: This sequence change replaces serine, which is neutral and polar, with glycine, which is neutral and non-polar, at codon 163 of the POC1B protein (p.Ser163Gly). This variant is not present in population databases (gnomAD no frequency). This variant has not been reported in the literature in individuals affected with POC1B-related conditions. ClinVar contains an entry for this variant (Variation ID: 1014789). Advanced modeling of protein sequence and biophysical properties (such as structural, functional, and spatial information, amino acid conservation, physicochemical variation, residue mobility, and thermodynamic stability) performed at Invitae indicates that this missense variant is not expected to disrupt POC1B protein function. Algorithms developed to predict the effect of sequence changes on RNA splicing suggest that this variant may create or strengthen a splice site. In summary, the available evidence is currently insufficient to determine the role of this variant in disease. Therefore, it has been classified as a Variant of Uncertain Significance.